The following is an entry in ClinVar:

NM_002474.3(MYH11):c.2473G>T (p.Ala825Ser)

Gene: MYH11 (myosin heavy chain 11; minus strand). Cytogenetic location: 16p13.11.
Variant type: single nucleotide variant.
Coding change: c.2473G>T on transcript NM_002474.3 (MANE Select); coding-DNA position 2473, G replaced by T.
Protein change: p.Ala825Ser; replaces alanine 825 with serine.
Molecular consequence: missense variant.
Genome position (GRCh38, 1-based): chr16:15,745,176, C>A on the plus strand (G>T on the coding strand, the complement: MYH11 is on the minus strand). VCF-style: chr16-15745176-C-A. GRCh37 (hg19) VCF-style: chr16-15839033-C-A.
Other names: c.2494G>T, p.Ala832Ser (NM_001040113.2, NM_001040114.2); c.2473G>T, p.Ala825Ser (NM_022844.3); short protein forms A825S, A832S.
Identifiers: ClinVar variation 3387217 (VCV003387217.1).

ClinVar aggregate classification (germline): Uncertain significance (1 of 4 stars; one submission).

Conditions:
Familial thoracic aortic aneurysm and aortic dissection (TAAD). Also called: Thoracic aortic aneurysms and dissections. Identifiers: Orphanet 91387, MedGen C4707243, MONDO:0019625.

Submission:

All of Us Research Program, National Institutes of Health
Classification: Uncertain significance for Familial thoracic aortic aneurysm and aortic dissection. Last evaluated: 2024-08-13. Review status: criteria provided, single submitter. Criteria: ACMG Guidelines, 2015. Collection method: clinical testing. Allele origin: germline. Inheritance: Autosomal dominant inheritance. Observed: 1 variant allele, 1 heterozygote.
Comment: This missense variant replaces alanine with serine at codon 832 of the MYH11 protein. Computational prediction suggests that this variant may not impact protein structure and function (internally defined REVEL score threshold <= 0.5, PMID: 27666373). To our knowledge, functional studies have not been reported for this variant. This variant has not been reported in individuals affected with MYH11-related disorders in the literature. This variant has not been identified in the general population by the Genome Aggregation Database (gnomAD). The available evidence is insufficient to determine the role of this variant in disease conclusively. Therefore, this variant is classified as a Variant of Uncertain Significance.

This study involves interpretation of variants in research participants for the purpose of population health screening. Participant phenotype was not available at the time of variant classification. Additional details can be found in publication PMID: 35346344, PMCID: PMC8962531